The following is an entry in ClinVar:

NM_020964.3(EPG5):c.4205+3G>T

Gene: EPG5 (ectopic P-granules 5 autophagy tethering factor; minus strand). Cytogenetic location: 18q21.1.
Variant type: single nucleotide variant.
Coding change: c.4205+3G>T on transcript NM_020964.3 (MANE Select); 3 bases into the intron after coding-DNA position 4205, G replaced by T.
Molecular consequence: intron variant.
Genome position (GRCh38, 1-based): chr18:45,910,518, C>A on the plus strand (G>T on the coding strand, the complement: EPG5 is on the minus strand). VCF-style: chr18-45910518-C-A. GRCh37 (hg19) VCF-style: chr18-43490483-C-A.
Identifiers: ClinVar variation 2030768 (VCV002030768.4), dbSNP rs1322093557, ClinGen allele CA629923990.

ClinVar aggregate classification (germline): Uncertain significance (1 of 4 stars; one submission).

Conditions:
Vici syndrome (VICIS). Identifiers: Orphanet 1493, MedGen C1855772, MONDO:0009452, OMIM 242840.

Allele frequency attached by ClinVar (database versions not stated): TOPMed below 0.00001; gnomAD 0.00001.
gnomAD v4.1: 3 of 1,597,984 alleles (0.00019%); highest among the groups gnomAD compares: African/African-American, 0.0027%; no homozygotes.

Submission:

Labcorp Genetics (formerly Invitae), Labcorp
Classification: Uncertain significance for Vici syndrome. Last evaluated: 2022-09-16. Review status: criteria provided, single submitter. Criteria: Invitae Variant Classification Sherloc (09022015). Collection method: clinical testing. Allele origin: germline.
Comment: Variants that disrupt the consensus splice site are a relatively common cause of aberrant splicing (PMID: 17576681, 9536098). Algorithms developed to predict the effect of sequence changes on RNA splicing suggest that this variant may create or strengthen a splice site. In summary, the available evidence is currently insufficient to determine the role of this variant in disease. Therefore, it has been classified as a Variant of Uncertain Significance. This variant has not been reported in the literature in individuals affected with EPG5-related conditions. The frequency data for this variant in the population databases is considered unreliable, as metrics indicate poor data quality at this position in the gnomAD database. This sequence change falls in intron 23 of the EPG5 gene. It does not directly change the encoded amino acid sequence of the EPG5 protein. It affects a nucleotide within the consensus splice site.

Literature cited by the submitters: PubMed 17576681; PubMed 9536098.